The following is an entry in ClinVar:

NM_007294.4(BRCA1):c.1293_1295delinsGA (p.Leu432fs)

Gene: BRCA1 (BRCA1 DNA repair associated; minus strand). Cytogenetic location: 17q21.31.
Variant type: Indel.
Coding change: c.1293_1295delinsGA on transcript NM_007294.4 (MANE Select); coding-DNA positions 1293 to 1295, ACT replaced by GA.
Protein change: p.Leu432fs; shifts the reading frame from leucine 432.
Molecular consequence: frameshift variant. On other transcripts: intron variant (137).
Genome position (GRCh38, 1-based): chr17:43,094,236-43,094,238, AGT replaced by TC on the plus strand (ACT replaced by GA on the coding strand, the reverse complement: BRCA1 is on the minus strand). VCF-style: chr17-43094236-AGT-TC. GRCh37 (hg19) VCF-style: chr17-41246253-AGT-TC.
Other names: c.1170_1172delinsGA, p.Leu391fs (NM_001407665.1, NM_001407666.1, NM_001407667.1 and 19 more transcripts); c.1167_1169delinsGA, p.Leu390fs (NM_001407670.1, NM_001407671.1, NM_001407672.1 and 11 more transcripts); c.1293_1295delinsGA, p.Leu432fs (NM_001407684.1, NM_001407854.1, NM_001407858.1 and 30 more transcripts); c.1152_1154delinsGA, p.Leu385fs (NM_001407692.1, NM_001407694.1, NM_001407695.1 and 29 more transcripts); c.1149_1151delinsGA, p.Leu384fs (NM_001407740.1, NM_001407741.1, NM_001407742.1 and 20 more transcripts); c.1080_1082delinsGA, p.Leu361fs (NM_001407853.1, NM_001407894.1, NM_001407895.1 and 9 more transcripts); c.1290_1292delinsGA, p.Leu431fs (NM_001407860.1, NM_001407861.1, NM_001407587.1 and 22 more transcripts); c.1092_1094delinsGA, p.Leu365fs (NM_001407862.1); and 40 more; short protein forms L385fs, L432fs, L264fs, L321fs, L361fs, L405fs, L431fs, L136fs.
Identifiers: ClinVar variation 54189 (VCV000054189.7), dbSNP rs397508852, ClinGen allele CA000846.

ClinVar aggregate classification (germline): Pathogenic. Review status: reviewed by expert panel (3 of 4 stars). 4 submissions from 4 submitters: Pathogenic (1). 3 of the submissions do not count toward it. Last evaluated 2017-12-15.

Conditions:
Hereditary cancer-predisposing syndrome. Also called: Tumor predisposition; Neoplastic Syndromes, Hereditary; Hereditary Cancer Syndrome; Hereditary neoplastic syndrome. Identifiers: Orphanet 140162, MedGen C0027672, MeSH D009386, MONDO:0015356.
Breast-ovarian cancer, familial, susceptibility to, 1 (BROVCA1). Also called: OVARIAN CANCER, SUSCEPTIBILITY TO; BRCA1 Hereditary Breast and Ovarian Cancer. Identifiers: Orphanet 145, MedGen C2676676, MONDO:0011450, OMIM 604370. Disease mechanism: loss of function.
Familial cancer of breast. Also called: Hereditary breast cancer; hereditary breast carcinoma; BREAST CANCER, FAMILIAL. Identifiers: Orphanet 227535, MedGen C0346153, MONDO:0016419, OMIM 114480. Disease mechanism: loss of function.

Submissions (4):

Evidence-based Network for the Interpretation of Germline Mutant Alleles (ENIGMA)
Classification: Pathogenic for Breast-ovarian cancer, familial, susceptibility to, 1. Last evaluated: 2017-12-15. Review status: reviewed by expert panel. Criteria: ENIGMA BRCA1/2 Classification Criteria (2017-06-29). Collection method: curation. Allele origin: germline. Study: ENIGMA.
Comment: Variant allele predicted to encode a truncated non-functional protein.

Ambry Genetics
Classification: Pathogenic for Hereditary cancer-predisposing syndrome. Last evaluated: 2024-05-17. Review status: criteria provided, single submitter. Criteria: Ambry Variant Classification Scheme 2023. Collection method: clinical testing. Allele origin: germline. Not counted in ClinVar's aggregate classification.
Comment: The c.1293_1295delACTinsGA pathogenic mutation, located in coding exon 9 of the BRCA1 gene, results from the deletion of 3 nucleotides and insertion of two nucleotides causing a translational frameshift with a predicted alternate stop codon (p.L432Rfs*9). This alteration was observed in one individual from a Korean high-risk breast cancer cohort (Kim H et al. Breast Cancer Res. Treat., 2012 Aug;134:1315-26) and was detected in the germline of one individual from a cohort of ovarian cancer cases (Lee A et al. Pathol. Res. Pract., 2019 Nov;215:152595). In addition to the information presented in the literature, this alteration is expected to result in loss of function by premature protein truncation or nonsense-mediated mRNA decay. As such, this alteration is interpreted as a disease-causing mutation.

Baylor Genetics
Classification: Likely pathogenic for Breast-ovarian cancer, familial, susceptibility to, 1. Last evaluated: 2024-03-07. Review status: criteria provided, single submitter. Criteria: ACMG Guidelines, 2015. Collection method: clinical testing. Allele origin: unknown. Not counted in ClinVar's aggregate classification.

ClinVar Staff, National Center for Biotechnology Information (NCBI)
No classification provided. Condition: Familial cancer of breast. Review status: no classification provided. Collection method: literature only. Allele origin: germline. Affected: yes. Not counted in ClinVar's aggregate classification.

Literature cited by the submitters: PubMed 22798144 (cited by Ambry Genetics and ClinVar Staff, National Center for Biotechnology Information (NCBI)); PubMed 31570282 (cited by Ambry Genetics).